The following is an entry in ClinVar:

ClinVar aggregate classification (germline): Uncertain significance (1 of 4 stars; one submission).

Conditions:
Cardiovascular phenotype. Identifiers: MedGen CN230736.
Hereditary cancer-predisposing syndrome. Also called: Neoplastic Syndromes, Hereditary; Tumor predisposition; Hereditary Cancer Syndrome; Hereditary neoplastic syndrome. Identifiers: Orphanet 140162, MedGen C0027672, MeSH D009386, MONDO:0015356.

Submission:

Ambry Genetics
Classification: Uncertain significance for Cardiovascular phenotype; Hereditary cancer-predisposing syndrome. Last evaluated: 2017-03-31. Review status: criteria provided, single submitter. Criteria: Ambry Variant Classification Scheme 2023. Collection method: clinical testing. Allele origin: germline.
Comment: The c.8097+4A>C intronic variant results from an A to C substitution 4 nucleotides after coding exon 55 in the NF1 gene. This nucleotide position is well conserved in available vertebrate species. Using the BDGP and ESEfinder splice site prediction tools, this alteration is predicted to weaken the efficiency of the native splice donor site; however, direct evidence is unavailable. Since supporting evidence is limited at this time, the clinical significance of this alteration remains unclear.

NM_001042492.3(NF1):c.8160+4A>C

Gene: NF1 (neurofibromin 1; plus strand). Cytogenetic location: 17q11.2.
Variant type: single nucleotide variant.
Coding change: c.8160+4A>C on transcript NM_001042492.3 (MANE Select); 4 bases into the intron after coding-DNA position 8160, A replaced by C.
Molecular consequence: intron variant.
Genome position (GRCh38, 1-based): chr17:31,359,019, A>C. VCF-style: chr17-31359019-A-C. GRCh37 (hg19) VCF-style: chr17-29686037-A-C.
Other names: c.8097+4A>C (NM_000267.4).
Identifiers: ClinVar variation 484113 (VCV000484113.5), dbSNP rs1555537033, ClinGen allele CA658658609.